The following is an entry in ClinVar:

ClinVar aggregate classification (germline): Uncertain significance (1 of 4 stars; one submission).

Conditions:
Autoimmune lymphoproliferative syndrome, type III caused by mutation in PRKCD. Identifiers: Orphanet 3261, Orphanet 664711, MedGen C3809928, MONDO:8000024, OMIM 615559.

Allele frequency attached by ClinVar (database versions not stated): TOPMed 0.00001.

Submission:

Labcorp Genetics (formerly Invitae), Labcorp
Classification: Uncertain significance for Autoimmune lymphoproliferative syndrome, type III caused by mutation in PRKCD. Last evaluated: 2023-11-15. Review status: criteria provided, single submitter. Criteria: Invitae Variant Classification Sherloc (09022015). Collection method: clinical testing. Allele origin: germline.
Comment: This sequence change replaces arginine, which is basic and polar, with cysteine, which is neutral and slightly polar, at codon 94 of the PRKCD protein (p.Arg94Cys). This variant is not present in population databases (gnomAD no frequency). This variant has not been reported in the literature in individuals affected with PRKCD-related conditions. ClinVar contains an entry for this variant (Variation ID: 653371). An algorithm developed to predict the effect of missense changes on protein structure and function (PolyPhen-2) suggests that this variant is likely to be disruptive. In summary, the available evidence is currently insufficient to determine the role of this variant in disease. Therefore, it has been classified as a Variant of Uncertain Significance.

NM_006254.4(PRKCD):c.280C>T (p.Arg94Cys)

Gene: PRKCD (protein kinase C delta; plus strand). Cytogenetic location: 3p21.1.
Variant type: single nucleotide variant.
Coding change: c.280C>T on transcript NM_006254.4 (MANE Select); coding-DNA position 280, C replaced by T.
Protein change: p.Arg94Cys; replaces arginine 94 with cysteine.
Molecular consequence: missense variant.
Genome position (GRCh38, 1-based): chr3:53,179,741, C>T. VCF-style: chr3-53179741-C-T. GRCh37 (hg19) VCF-style: chr3-53213757-C-T.
Other names: c.280C>T, p.Arg94Cys (NM_001316327.2, NM_001354679.2, NM_001354680.2 and 2 more transcripts); c.337C>T, p.Arg113Cys (NM_001354676.2); c.328C>T, p.Arg110Cys (NM_001354678.2); short protein forms R110C, R113C, R94C.
Identifiers: ClinVar variation 653371 (VCV000653371.5), dbSNP rs963574725, ClinGen allele CA353233354.